The following is an entry in ClinVar:

NM_058216.3(RAD51C):c.495G>C (p.Met165Ile)

Gene: RAD51C (RAD51 paralog C; plus strand). Cytogenetic location: 17q22.
Variant type: single nucleotide variant.
Coding change: c.495G>C on transcript NM_058216.3 (MANE Select); coding-DNA position 495, G replaced by C.
Protein change: p.Met165Ile; replaces methionine 165 with isoleucine.
Molecular consequence: missense variant.
Genome position (GRCh38, 1-based): chr17:58,696,783, G>C. VCF-style: chr17-58696783-G-C. GRCh37 (hg19) VCF-style: chr17-56774144-G-C.
Other names: short protein forms M165I.
Identifiers: ClinVar variation 630722 (VCV000630722.5), dbSNP rs1567788704, ClinGen allele CA400344870.

ClinVar aggregate classification (germline): Uncertain significance (1 of 4 stars; one submission).

Conditions:
Hereditary cancer-predisposing syndrome. Also called: Tumor predisposition; Neoplastic Syndromes, Hereditary; Hereditary neoplastic syndrome; Hereditary Cancer Syndrome. Identifiers: Orphanet 140162, MedGen C0027672, MeSH D009386, MONDO:0015356.

Submission:

Color Diagnostics, LLC DBA Color Health
Classification: Uncertain significance for Hereditary cancer-predisposing syndrome. Last evaluated: 2023-12-05. Review status: criteria provided, single submitter. Criteria: ACMG Guidelines, 2015. Collection method: clinical testing. Allele origin: germline.
Comment: This missense variant replaces methionine with isoleucine at codon 165 of the RAD51C protein. Computational prediction suggests that this variant may not impact protein structure and function (internally defined REVEL score threshold <= 0.5, PMID: 27666373). To our knowledge, functional studies have not been reported for this variant. This variant has not been reported in individuals affected with RAD51C-related disorders in the literature. This variant has not been identified in the general population by the Genome Aggregation Database (gnomAD). The available evidence is insufficient to determine the role of this variant in disease conclusively. Therefore, this variant is classified as a Variant of Uncertain Significance.